The following is an entry in ClinVar:

ClinVar aggregate classification (germline): Conflicting classifications of pathogenicity. Review status: criteria provided, conflicting classifications (1 of 4 stars). 2 submissions from 1 submitter: Uncertain significance (1); Likely benign (1). Last evaluated 2018-01-13.

Conditions:
Autosomal recessive spinocerebellar ataxia 14. Also called: CEREBELLAR ATAXIA, AUTOSOMAL RECESSIVE, SPECTRIN-ASSOCIATED, 1. Identifiers: Orphanet 352403, MedGen C4706415, MONDO:0014159, OMIM 615386.
Spinocerebellar ataxia type 5 (SCA5). Identifiers: Orphanet 98766, MedGen C0752123, MONDO:0010848, OMIM 600224.

Allele frequency attached by ClinVar (database versions not stated): gnomAD 0.00004 and 0.00006; gnomAD exomes 0.00004 and 0.00012; ExAC 0.00005; TOPMed 0.00005; 1000 Genomes Project 30x 0.00031; 1000 Genomes Project 0.00040.
gnomAD v4.1: 176 of 1,610,400 alleles (0.011%); highest among the groups gnomAD compares: East Asian, 0.35%; no homozygotes.

Submissions (2):

Illumina Laboratory Services, Illumina
Classification: Uncertain significance for Autosomal recessive spinocerebellar ataxia 14. Last evaluated: 2018-01-13. Review status: criteria provided, single submitter. Criteria: ICSL Variant Classification Criteria 13 December 2019. Collection method: clinical testing. Allele origin: germline.

Illumina Laboratory Services, Illumina
Classification: Likely benign for Spinocerebellar ataxia type 5. Last evaluated: 2018-01-13. Review status: criteria provided, single submitter. Criteria: ICSL Variant Classification Criteria 13 December 2019. Collection method: clinical testing. Allele origin: germline.
Comment: This variant was observed in the ICSL laboratory as part of a predisposition screen in an ostensibly healthy population. It had not been previously curated by ICSL or reported in the Human Gene Mutation Database (HGMD: prior to June 1st, 2018), and was therefore a candidate for classification through an automated scoring system. Utilizing variant allele frequency, disease prevalence and penetrance estimates, and inheritance mode, an automated score was calculated to assess if this variant is too frequent to cause the disease. Based on the score and internal cut-off values, a variant classified as likely benign is not then subjected to further curation. The score for this variant resulted in a classification of likely benign for this disease.

NM_006946.4(SPTBN2):c.6035-12C>T

Gene: SPTBN2 (spectrin beta, non-erythrocytic 2; minus strand). Cytogenetic location: 11q13.2.
Variant type: single nucleotide variant.
Coding change: c.6035-12C>T on transcript NM_006946.4 (MANE Select); 12 bases into the intron before coding-DNA position 6035, C replaced by T.
Molecular consequence: intron variant.
Genome position (GRCh38, 1-based): chr11:66,688,861, G>A on the plus strand (C>T on the coding strand, the complement: SPTBN2 is on the minus strand). VCF-style: chr11-66688861-G-A. GRCh37 (hg19) VCF-style: chr11-66456332-G-A.
Identifiers: ClinVar variation 877425 (VCV000877425.4), dbSNP rs2276137, ClinGen allele CA6128056.